The following is an entry in ClinVar:

ClinVar aggregate classification (germline): Uncertain significance (1 of 4 stars; one submission).

Conditions:
Duchenne muscular dystrophy (DMD). Also called: MUSCULAR DYSTROPHY, PSEUDOHYPERTROPHIC PROGRESSIVE, DUCHENNE TYPE; Duchenne Muscular Dystrophy (DMD). Identifiers: Orphanet 98896, MedGen C0013264, MONDO:0010679, OMIM 310200.

Submission:

Labcorp Genetics (formerly Invitae), Labcorp
Classification: Uncertain significance for Duchenne muscular dystrophy. Last evaluated: 2024-03-04. Review status: criteria provided, single submitter. Criteria: Invitae Variant Classification Sherloc (09022015). Collection method: clinical testing. Allele origin: germline.
Comment: This sequence change replaces alanine, which is neutral and non-polar, with threonine, which is neutral and polar, at codon 3223 of the DMD protein (p.Ala3223Thr). This variant is not present in population databases (gnomAD no frequency). This variant has not been reported in the literature in individuals affected with DMD-related conditions. Advanced modeling of protein sequence and biophysical properties (such as structural, functional, and spatial information, amino acid conservation, physicochemical variation, residue mobility, and thermodynamic stability) performed at Invitae indicates that this missense variant is not expected to disrupt DMD protein function with a negative predictive value of 95%. In summary, the available evidence is currently insufficient to determine the role of this variant in disease. Therefore, it has been classified as a Variant of Uncertain Significance.

NM_004006.3(DMD):c.9667G>A (p.Ala3223Thr)

Gene: DMD (dystrophin; minus strand). Cytogenetic location: Xp21.2.
Variant type: single nucleotide variant.
Coding change: c.9667G>A on transcript NM_004006.3 (MANE Select); coding-DNA position 9667, G replaced by A.
Protein change: p.Ala3223Thr; replaces alanine 3223 with threonine.
Molecular consequence: missense variant.
Genome position (GRCh38, 1-based): chrX:31,204,101, C>T on the plus strand (G>A on the coding strand, the complement: DMD is on the minus strand). VCF-style: chrX-31204101-C-T. GRCh37 (hg19) VCF-style: chrX-31222218-C-T.
Other names: c.9643G>A, p.Ala3215Thr (NM_000109.4); c.9655G>A, p.Ala3219Thr (NM_004009.3); c.9298G>A, p.Ala3100Thr (NM_004010.3); c.5644G>A, p.Ala1882Thr (NM_004011.4); c.5635G>A, p.Ala1879Thr (NM_004012.4); c.2287G>A, p.Ala763Thr (NM_004013.3, NM_004020.4, NM_004021.3 and 2 more transcripts); c.1480G>A, p.Ala494Thr (NM_004014.3); c.463G>A, p.Ala155Thr (NM_004015.3, NM_004016.3, NM_004017.3 and 2 more transcripts); short protein forms A3223T, A494T, A1882T, A3215T, A1879T, A3219T, A763T, A155T.
Identifiers: ClinVar variation 3683897 (VCV003683897.2).
Genomic context (GRCh38, chrX:31,204,101, plus strand): 5'-GGATAGAATCATGCAGAAGGAGGCCCAGCCTGCGCTGGTCACAAAATCCTGTTGAACTTG[C>T]CACTTGCTTGAAAAGGTCTACAAAGGAAGAAGAAAATTGCAACAGTCAAAACACAGCACC-3'
Protein context (NP_003997.2, residues 3213-3233): DKYRYLFKQV[Ala3223Thr]SSTGFCDQRR